The following is an entry in ClinVar:

NM_001164508.2(NEB):c.11680A>G (p.Lys3894Glu)

Gene: NEB (nebulin; minus strand). Cytogenetic location: 2q23.3.
Variant type: single nucleotide variant.
Coding change: c.11680A>G on transcript NM_001164508.2 (MANE Select); coding-DNA position 11680, A replaced by G.
Protein change: p.Lys3894Glu; replaces lysine 3894 with glutamic acid.
Molecular consequence: missense variant.
Genome position (GRCh38, 1-based): chr2:151,612,311, T>C on the plus strand (A>G on the coding strand, the complement: NEB is on the minus strand). VCF-style: chr2-151612311-T-C. GRCh37 (hg19) VCF-style: chr2-152468825-T-C.
Other names: c.11680A>G, p.Lys3894Glu (NM_001164507.2, NM_001271208.2); c.10951A>G, p.Lys3651Glu (NM_004543.5); short protein forms K3651E, K3894E.
Identifiers: ClinVar variation 3898643 (VCV003898643.7).

ClinVar aggregate classification (germline): Uncertain significance (1 of 4 stars; one submission).

Submission:

CeGaT Center for Human Genetics Tuebingen
Classification: Uncertain significance. Last evaluated: 2025-04-01. Review status: criteria provided, single submitter. Criteria: CeGaT Center For Human Genetics Tuebingen Variant Classification Criteria Version 2. Collection method: clinical testing. Allele origin: germline. Affected: yes. Observed: 1 variant allele.
Comment: NEB: PM2